The following is an entry in ClinVar:

NM_001353921.2(ARHGEF9):c.982_983dup (p.Gly330fs)

Gene: ARHGEF9 (Cdc42 guanine nucleotide exchange factor 9; minus strand). Cytogenetic location: Xq11.1.
Variant type: Duplication.
Coding change: c.982_983dup on transcript NM_001353921.2 (MANE Select); coding-DNA positions 982 to 983, 2 bases duplicated (TA; older notation c.982_983dupTA).
Protein change: p.Gly330fs; shifts the reading frame from glycine 330.
Molecular consequence: frameshift variant. On other transcripts: intron variant (5).
Genome position (GRCh38, 1-based): chrX:63,665,980-63,665,981, TA duplicated on the plus strand (TA on the coding strand, the reverse complement: ARHGEF9 is on the minus strand). VCF-style (leftmost placement, unchanged base first): chrX-63665979-G-GTA. GRCh37 (hg19) VCF-style: chrX-62885859-G-GTA.
Other names: c.802_803dup, p.Gly270fs (NM_001173479.2); c.655_656dup, p.Gly221fs (NM_001173480.2, NM_001369042.1); c.898_899dup, p.Gly302fs (NM_001330495.2, NM_001369033.1, NM_001369034.1 and 6 more transcripts); c.1000_1001dup, p.Gly336fs (NM_001353923.1); c.781_782dup, p.Gly263fs (NM_001353924.2, NM_001353926.2, NM_001369039.1 and 1 more transcripts); c.961_962dup, p.Gly323fs (NM_001369030.1, NM_001369031.1, NM_001369032.1 and 1 more transcripts); c.945+8057_945+8058dup (NM_001353922.2); c.861+8057_861+8058dup (NM_001369041.1, NM_001353927.2); and 2 more; short protein forms G323fs, G263fs, G302fs, G221fs, G270fs, G330fs, G336fs.
Identifiers: ClinVar variation 1358350 (VCV001358350.1), dbSNP rs2147266023, ClinGen allele CA2573159016.

ClinVar aggregate classification (germline): Pathogenic (1 of 4 stars; one submission).

Conditions:
Developmental and epileptic encephalopathy, 8 (DEE8). Also called: HYPEREKPLEXIA AND EPILEPSY. Identifiers: Orphanet 163985, Orphanet 2076, MedGen C1845102, MONDO:0010375, OMIM 300607.

Submission:

Labcorp Genetics (formerly Invitae), Labcorp
Classification: Pathogenic for Developmental and epileptic encephalopathy, 8. Last evaluated: 2021-02-17. Review status: criteria provided, single submitter. Criteria: Invitae Variant Classification Sherloc (09022015). Collection method: clinical testing. Allele origin: germline.
Comment: This sequence change creates a premature translational stop signal (p.Gly323Leufs*33) in the ARHGEF9 gene. It is expected to result in an absent or disrupted protein product. Loss-of-function variants in ARHGEF9 are known to be pathogenic (PMID: 25678704, 26834553, 28589176). This variant is not present in population databases (ExAC no frequency). This variant has not been reported in the literature in individuals with ARHGEF9-related conditions. For these reasons, this variant has been classified as Pathogenic.

Literature cited by the submitters: PubMed 25678704; PubMed 26834553; PubMed 28589176.